The following is an entry in ClinVar:

NM_005263.5(GFI1):c.928C>T (p.Arg310Trp)

Gene: GFI1 (growth factor independent 1 transcriptional repressor; minus strand). Cytogenetic location: 1p22.1.
Variant type: single nucleotide variant.
Coding change: c.928C>T on transcript NM_005263.5 (MANE Select); coding-DNA position 928, C replaced by T.
Protein change: p.Arg310Trp; replaces arginine 310 with tryptophan.
Molecular consequence: missense variant.
Genome position (GRCh38, 1-based): chr1:92,478,750, G>A on the plus strand (C>T on the coding strand, the complement: GFI1 is on the minus strand). VCF-style: chr1-92478750-G-A. GRCh37 (hg19) VCF-style: chr1-92944307-G-A.
Other names: c.928C>T, p.Arg310Trp (NM_001127215.3, NM_001127216.3); short protein forms R310W.
Identifiers: ClinVar variation 2416654 (VCV002416654.7), dbSNP rs370438369, ClinGen allele CA951268.

ClinVar aggregate classification (germline): Uncertain significance. Review status: criteria provided, multiple submitters, no conflicts (2 of 4 stars). 2 submissions from 2 submitters: Uncertain significance (2). Last evaluated 2025-03-12.

Conditions:
Neutropenia, severe congenital, 2, autosomal dominant. Identifiers: Orphanet 486, MedGen C2751288, MONDO:0013139, OMIM 613107.

Allele frequency attached by ClinVar (database versions not stated): ExAC 0.00001; gnomAD exomes 0.00001; TOPMed 0.00002; gnomAD 0.00003; ESP Exome Variant Server 0.00008.
gnomAD v4.1: 14 of 1,439,532 alleles (0.00097%); highest among the groups gnomAD compares: South Asian, 0.0047%; no homozygotes.

Submissions (2):

Ambry Genetics
Classification: Uncertain significance. Last evaluated: 2025-03-12. Review status: criteria provided, single submitter. Criteria: Ambry Variant Classification Scheme 2023. Collection method: clinical testing. Allele origin: germline.
Comment: The p.R310W variant (also known as c.928C>T), located in coding exon 5 of the GFI1 gene, results from a C to T substitution at nucleotide position 928. The arginine at codon 310 is replaced by tryptophan, an amino acid with dissimilar properties. This amino acid position is conserved. In addition, the in silico prediction for this alteration is inconclusive. Based on the available evidence, the clinical significance of this variant remains unclear.

Labcorp Genetics (formerly Invitae), Labcorp
Classification: Uncertain significance for Neutropenia, severe congenital, 2, autosomal dominant. Last evaluated: 2022-02-23. Review status: criteria provided, single submitter. Criteria: Invitae Variant Classification Sherloc (09022015). Collection method: clinical testing. Allele origin: germline.
Comment: In summary, the available evidence is currently insufficient to determine the role of this variant in disease. Therefore, it has been classified as a Variant of Uncertain Significance. Algorithms developed to predict the effect of missense changes on protein structure and function (SIFT, PolyPhen-2, Align-GVGD) all suggest that this variant is likely to be disruptive. This variant has not been reported in the literature in individuals affected with GFI1-related conditions. The frequency data for this variant in the population databases is considered unreliable, as metrics indicate poor data quality at this position in the gnomAD database. This sequence change replaces arginine, which is basic and polar, with tryptophan, which is neutral and slightly polar, at codon 310 of the GFI1 protein (p.Arg310Trp).